The following is an entry in ClinVar:

NM_001035.3(RYR2):c.10681C>G (p.Leu3561Val)

Gene: RYR2 (ryanodine receptor 2; plus strand). Cytogenetic location: 1q43.
Variant type: single nucleotide variant.
Coding change: c.10681C>G on transcript NM_001035.3 (MANE Select); coding-DNA position 10681, C replaced by G.
Protein change: p.Leu3561Val; replaces leucine 3561 with valine.
Molecular consequence: missense variant.
Genome position (GRCh38, 1-based): chr1:237,723,254, C>G. VCF-style: chr1-237723254-C-G. GRCh37 (hg19) VCF-style: chr1-237886554-C-G.
Other names: short protein forms L3561V.
Identifiers: ClinVar variation 844375 (VCV000844375.16), dbSNP rs1022428392, ClinGen allele CA39804317.

ClinVar aggregate classification (germline): Uncertain significance. Review status: criteria provided, multiple submitters, no conflicts (2 of 4 stars). 4 submissions from 4 submitters: Uncertain significance (4). Last evaluated 2023-12-13.

Conditions:
Cardiomyopathy (CMYO). Also called: Cardiomyopathies. Identifiers: Orphanet 167848, MedGen C0878544, MONDO:0004994, HP:0001638. Inheritance: Various modes of inheritance.
Catecholaminergic polymorphic ventricular tachycardia 1. Also called: VENTRICULAR TACHYCARDIA, CATECHOLAMINERGIC POLYMORPHIC, 1, WITH OR WITHOUT ATRIAL DYSFUNCTION AND/OR DILATED CARDIOMYOPATHY; VENTRICULAR TACHYCARDIA, STRESS-INDUCED POLYMORPHIC 1; RYR2-Related Catecholaminergic Polymorphic Ventricular Tachycardia. Identifiers: Orphanet 3286, MedGen C1631597, MONDO:0011484, OMIM 604772.
Catecholaminergic polymorphic ventricular tachycardia (CVPT). Also called: Catecholamine-induced polymorphic ventricular tachycardia. Identifiers: Orphanet 3286, MedGen C5574922, MONDO:0017990.

Allele frequency attached by ClinVar (database versions not stated): gnomAD 0.00001 and 0.00002; gnomAD exomes 0.00001; TOPMed 0.00001.
gnomAD v4.1: 51 of 1,611,210 alleles (0.0032%); highest among the groups gnomAD compares: Non-Finnish European, 0.0042%; no homozygotes.

Submissions (4):

All of Us Research Program, National Institutes of Health
Classification: Uncertain significance for Catecholaminergic polymorphic ventricular tachycardia. Last evaluated: 2023-12-13. Review status: criteria provided, single submitter. Criteria: ACMG Guidelines, 2015. Collection method: clinical testing. Allele origin: germline. Inheritance: Autosomal dominant inheritance. Observed: 2 variant alleles, 2 heterozygotes.
Comment: This missense variant replaces leucine with valine at codon 3561 of the RYR2 protein. Computational prediction is inconclusive regarding the impact of this variant on protein structure and function (internally defined REVEL score threshold 0.5 < inconclusive < 0.7, PMID: 27666373). To our knowledge, functional studies have not been reported for this variant. This variant has been reported in an individual affected with hypertrophic cardiomyopathy (PMID: 23396983), an individual with unknown arrhythmia (PMID: 30847666), and in an individual affected with sudden unexplained death (PMID: 28449774). This variant has been identified in 4/279860 chromosomes in the general population by the Genome Aggregation Database (gnomAD). The available evidence is insufficient to determine the role of this variant in disease conclusively. Therefore, this variant is classified as a Variant of Uncertain Significance.

This study involves interpretation of variants in research participants for the purpose of population health screening. Participant phenotype was not available at the time of variant classification. Additional details can be found in publication PMID: 35346344, PMCID: PMC8962531

Color Diagnostics, LLC DBA Color Health
Classification: Uncertain significance for Cardiomyopathy. Last evaluated: 2023-11-02. Review status: criteria provided, single submitter. Criteria: ACMG Guidelines, 2015. Collection method: clinical testing. Allele origin: germline.
Comment: This missense variant replaces leucine with valine at codon 3561 of the RYR2 protein. Computational prediction is inconclusive regarding the impact of this variant on protein structure and function (internally defined REVEL score threshold 0.5 < inconclusive < 0.7, PMID: 27666373). To our knowledge, functional studies have not been reported for this variant. This variant has been reported in an individual affected with hypertrophic cardiomyopathy (PMID: 23396983), an individual with unknown arrhythmia (PMID: 30847666), and in an individual affected with sudden unexplained death (PMID: 28449774). This variant has been identified in 4/279860 chromosomes in the general population by the Genome Aggregation Database (gnomAD). The available evidence is insufficient to determine the role of this variant in disease conclusively. Therefore, this variant is classified as a Variant of Uncertain Significance.

Labcorp Genetics (formerly Invitae), Labcorp
Classification: Uncertain significance for Catecholaminergic polymorphic ventricular tachycardia 1. Last evaluated: 2023-10-24. Review status: criteria provided, single submitter. Criteria: Invitae Variant Classification Sherloc (09022015). Collection method: clinical testing. Allele origin: germline.
Comment: This sequence change replaces leucine, which is neutral and non-polar, with valine, which is neutral and non-polar, at codon 3561 of the RYR2 protein (p.Leu3561Val). This variant is present in population databases (no rsID available, gnomAD 0.002%). This missense change has been observed in individual(s) with clinical features of RYR2-related conditions (PMID: 23396983, 28449774, 30847666). ClinVar contains an entry for this variant (Variation ID: 844375). Advanced modeling of protein sequence and biophysical properties (such as structural, functional, and spatial information, amino acid conservation, physicochemical variation, residue mobility, and thermodynamic stability) performed at Invitae indicates that this missense variant is expected to disrupt RYR2 protein function with a positive predictive value of 95%. In summary, the available evidence is currently insufficient to determine the role of this variant in disease. Therefore, it has been classified as a Variant of Uncertain Significance.

GeneDx
Classification: Uncertain significance. Last evaluated: 2019-12-16. Review status: criteria provided, single submitter. Criteria: GeneDx Variant Classification Process June 2021. Collection method: clinical testing. Allele origin: germline. Affected: yes.
Comment: Reported in a patient with sudden death (Lahrouchi et al., 2017); however, no additional clinical or segregation information was provided; Not observed at a significant frequency in large population cohorts (Lek et al., 2016); In silico analysis, which includes protein predictors and evolutionary conservation, supports a deleterious effect; Not located in one of the three hot-spot regions of the RYR2 gene, where the majority of pathogenic missense variants occur (Medeiros-Domingo et al., 2009); This variant is associated with the following publications: (PMID: 31337358, 28449774, 30847666)

Literature cited by the submitters: PubMed 23396983 (cited by 3 submitters); PubMed 28449774 (cited by 3 submitters); PubMed 30847666 (cited by 3 submitters).